The following is an entry in ClinVar:

ClinVar aggregate classification (germline): Uncertain significance. Review status: criteria provided, multiple submitters, no conflicts (2 of 4 stars). 3 submissions from 3 submitters: Uncertain significance (3). Last evaluated 2025-07-29.

Conditions:
Microcephaly, normal intelligence and immunodeficiency (NBS). Also called: BERLIN BREAKAGE SYNDROME; Ataxia telangiectasia variant V1; IMMUNODEFICIENCY, MICROCEPHALY, AND CHROMOSOMAL INSTABILITY; SEEMANOVA SYNDROME II; Immunodeficiency, microcephaly with normal intelligence; Nijmegen breakage syndrome. Identifiers: Orphanet 647, MedGen C0398791, MONDO:0009623, OMIM 251260.
Hereditary cancer-predisposing syndrome. Also called: Tumor predisposition; Neoplastic Syndromes, Hereditary; Hereditary Cancer Syndrome; Hereditary neoplastic syndrome. Identifiers: Orphanet 140162, MedGen C0027672, MeSH D009386, MONDO:0015356.

gnomAD v4.1: 1 of 1,612,956 alleles (0.000062%); highest among the groups gnomAD compares: Non-Finnish European, 0.000085%; no homozygotes.

Submissions (3):

Ambry Genetics
Classification: Uncertain significance for Hereditary cancer-predisposing syndrome. Last evaluated: 2025-07-29. Review status: criteria provided, single submitter. Criteria: Ambry Variant Classification Scheme 2023. Collection method: clinical testing. Allele origin: germline.
Comment: The p.P64L variant (also known as c.191C>T), located in coding exon 3 of the NBN gene, results from a C to T substitution at nucleotide position 191. The proline at codon 64 is replaced by leucine, an amino acid with similar properties. This amino acid position is conserved. In addition, the in silico prediction for this alteration is inconclusive. Since supporting evidence is limited at this time, the clinical significance of this alteration remains unclear.

Genome-Nilou Lab
Classification: Uncertain significance for Microcephaly, normal intelligence and immunodeficiency. Last evaluated: 2021-11-07. Review status: criteria provided, single submitter. Criteria: ACMG Guidelines, 2015. Collection method: clinical testing. Allele origin: germline. Affected: no.

Labcorp Genetics (formerly Invitae), Labcorp
Classification: Uncertain significance for Microcephaly, normal intelligence and immunodeficiency. Last evaluated: 2021-09-01. Review status: criteria provided, single submitter. Criteria: Invitae Variant Classification Sherloc (09022015). Collection method: clinical testing. Allele origin: germline.
Comment: This sequence change replaces proline with leucine at codon 64 of the NBN protein (p.Pro64Leu). The proline residue is weakly conserved and there is a moderate physicochemical difference between proline and leucine. This variant is not present in population databases (ExAC no frequency). This variant has not been reported in the literature in individuals affected with NBN-related conditions. Algorithms developed to predict the effect of missense changes on protein structure and function are either unavailable or do not agree on the potential impact of this missense change (SIFT: "Tolerated"; PolyPhen-2: "Probably Damaging"; Align-GVGD: "Class C0"). In summary, the available evidence is currently insufficient to determine the role of this variant in disease. Therefore, it has been classified as a Variant of Uncertain Significance.

NM_002485.5(NBN):c.191C>T (p.Pro64Leu)

Gene: NBN (nibrin; minus strand). Cytogenetic location: 8q21.3.
Variant type: single nucleotide variant.
Coding change: c.191C>T on transcript NM_002485.5 (MANE Select); coding-DNA position 191, C replaced by T.
Protein change: p.Pro64Leu; replaces proline 64 with leucine.
Molecular consequence: missense variant. On other transcripts: 5 prime UTR variant (1).
Genome position (GRCh38, 1-based): chr8:89,981,504, G>A on the plus strand (C>T on the coding strand, the complement: NBN is on the minus strand). VCF-style: chr8-89981504-G-A. GRCh37 (hg19) VCF-style: chr8-90993732-G-A.
Other names: c.-56C>T (NM_001024688.3); short protein forms P64L.
Identifiers: ClinVar variation 627958 (VCV000627958.16), dbSNP rs1563581492, ClinGen allele CA371662600.